The following is an entry in ClinVar:

ClinVar aggregate classification (germline): Likely benign. Review status: criteria provided, single submitter (1 of 4 stars). 2 submissions from 2 submitters: Likely benign (1). 1 of the submissions does not count toward it. Last evaluated 2022-10-12.

Conditions:
PIEZO1-related disorder. Also called: PIEZO1-related condition; PIEZO1-Related Disorders.

Allele frequency attached by ClinVar (database versions not stated): ExAC 0.00021.
gnomAD v4.1: 93 of 1,547,248 alleles (0.006%); highest among the groups gnomAD compares: Middle Eastern, 0.017%; no homozygotes.

Submissions (2):

Labcorp Genetics (formerly Invitae), Labcorp
Classification: Likely benign. Last evaluated: 2022-10-12. Review status: criteria provided, single submitter. Criteria: Invitae Variant Classification Sherloc (09022015). Collection method: clinical testing. Allele origin: germline.

PreventionGenetics, part of Exact Sciences
Classification: Likely benign for PIEZO1-related condition. Last evaluated: 2024-04-24. Review status: no assertion criteria provided. Collection method: clinical testing. Allele origin: germline. Not counted in ClinVar's aggregate classification.
Comment: This variant is classified as likely benign based on ACMG/AMP sequence variant interpretation guidelines (Richards et al. 2015 PMID: 25741868, with internal and published modifications).

NM_001142864.4(PIEZO1):c.5196G>A (p.Thr1732=)

Gene: PIEZO1 (piezo type mechanosensitive ion channel component 1 (Er blood group); minus strand). Cytogenetic location: 16q24.3.
Variant type: single nucleotide variant.
Coding change: c.5196G>A on transcript NM_001142864.4 (MANE Select); coding-DNA position 5196, G replaced by A.
Protein change: p.Thr1732=; no amino-acid change (threonine 1732 retained).
Molecular consequence: synonymous variant.
Genome position (GRCh38, 1-based): chr16:88,721,826, C>T on the plus strand (G>A on the coding strand, the complement: PIEZO1 is on the minus strand). VCF-style: chr16-88721826-C-T. GRCh37 (hg19) VCF-style: chr16-88788234-C-T.
Other names: c.3738G>A, p.Thr1246= (NM_014745.1); c.5196G>A (NM_001142864.3).
Identifiers: ClinVar variation 2180203 (VCV002180203.5), dbSNP rs367980850, ClinGen allele CA8231942.